The following is an entry in ClinVar:

NM_006282.5(STK4):c.893T>C (p.Met298Thr)

Gene: STK4 (serine/threonine kinase 4; plus strand). Cytogenetic location: 20q13.12.
Variant type: single nucleotide variant.
Coding change: c.893T>C on transcript NM_006282.5 (MANE Select); coding-DNA position 893, T replaced by C.
Protein change: p.Met298Thr; replaces methionine 298 with threonine.
Molecular consequence: missense variant.
Genome position (GRCh38, 1-based): chr20:45,000,453, T>C. VCF-style: chr20-45000453-T-C. GRCh37 (hg19) VCF-style: chr20-43629094-T-C.
Other names: c.893T>C, p.Met298Thr (NM_001352385.2); short protein forms M298T.
Identifiers: ClinVar variation 1378220 (VCV001378220.6), dbSNP rs2145695444, ClinGen allele CA409126236.

ClinVar aggregate classification (germline): Uncertain significance (1 of 4 stars; one submission).

Conditions:
Combined immunodeficiency due to STK4 deficiency (IMD110). Also called: STK4 DEFICIENCY; MST1 DEFICIENCY; T-cell immunodeficiency, recurrent infections, and autoimmunity with or without cardiac malformations. Identifiers: Orphanet 314689, MedGen C3553943, MONDO:0013934, OMIM 614868.

Submission:

Labcorp Genetics (formerly Invitae), Labcorp
Classification: Uncertain significance for Combined immunodeficiency due to STK4 deficiency. Last evaluated: 2022-08-31. Review status: criteria provided, single submitter. Criteria: Invitae Variant Classification Sherloc (09022015). Collection method: clinical testing. Allele origin: germline.
Comment: In summary, the available evidence is currently insufficient to determine the role of this variant in disease. Therefore, it has been classified as a Variant of Uncertain Significance. Advanced modeling of protein sequence and biophysical properties (such as structural, functional, and spatial information, amino acid conservation, physicochemical variation, residue mobility, and thermodynamic stability) performed at Invitae indicates that this missense variant is not expected to disrupt STK4 protein function. ClinVar contains an entry for this variant (Variation ID: 1378220). This variant has not been reported in the literature in individuals affected with STK4-related conditions. This variant is not present in population databases (gnomAD no frequency). This sequence change replaces methionine with threonine at codon 298 of the STK4 protein (p.Met298Thr). The methionine residue is moderately conserved and there is a moderate physicochemical difference between methionine and threonine.